The following is an entry in ClinVar:

ClinVar aggregate classification (germline): Uncertain significance. Review status: criteria provided, multiple submitters, no conflicts (2 of 4 stars). 4 submissions from 4 submitters: Uncertain significance (3). 1 of the submissions does not count toward it. Last evaluated 2025-04-21.

Conditions:
Retinal dystrophy. Also called: Inherited retinal dystrophy. Identifiers: Orphanet 71862, MedGen C0854723, MeSH D058499, MONDO:0019118, HP:0000556.
Inborn genetic diseases. Identifiers: MedGen C0950123, MeSH D030342.

Allele frequency attached by ClinVar (database versions not stated): TOPMed below 0.00001; ExAC 0.00002; gnomAD exomes 0.00002.
gnomAD v4.1: 29 of 1,613,944 alleles (0.0018%); highest among the groups gnomAD compares: Middle Eastern, 0.017%; no homozygotes.

Submissions (4):

Labcorp Genetics (formerly Invitae), Labcorp
Classification: Uncertain significance. Last evaluated: 2025-04-21. Review status: criteria provided, single submitter. Criteria: Invitae Variant Classification Sherloc (09022015). Collection method: clinical testing. Allele origin: germline.
Comment: This sequence change replaces arginine, which is basic and polar, with glutamine, which is neutral and polar, at codon 478 of the CNGB3 protein (p.Arg478Gln). This variant is present in population databases (rs772270787, gnomAD 0.003%). This variant has not been reported in the literature in individuals affected with CNGB3-related conditions. ClinVar contains an entry for this variant (Variation ID: 282903). Invitae Evidence Modeling of protein sequence and biophysical properties (such as structural, functional, and spatial information, amino acid conservation, physicochemical variation, residue mobility, and thermodynamic stability) has been performed for this missense variant. However, the output from this modeling did not meet the statistical confidence thresholds required to predict the impact of this variant on CNGB3 protein function. In summary, the available evidence is currently insufficient to determine the role of this variant in disease. Therefore, it has been classified as a Variant of Uncertain Significance.

Ambry Genetics
Classification: Uncertain significance for Inborn genetic diseases. Last evaluated: 2023-04-20. Review status: criteria provided, single submitter. Criteria: Ambry Variant Classification Scheme 2023. Collection method: clinical testing. Allele origin: germline.

Eurofins Ntd Llc (ga)
Classification: Uncertain significance. Last evaluated: 2015-08-28. Review status: criteria provided, single submitter. Criteria: EGL Classification Definitions 2015. Collection method: clinical testing. Allele origin: germline. Observed: 1 variant allele, 1 heterozygote.

Institute of Human Genetics, Univ. Regensburg, Univ. Regensburg
Classification: Uncertain significance for Retinal dystrophy. Last evaluated: 2023-01-01. Review status: no assertion criteria provided. Criteria: ACMG Guidelines, 2015. Collection method: clinical testing. Allele origin: germline. Affected: yes. Not counted in ClinVar's aggregate classification.

NM_019098.5(CNGB3):c.1433G>A (p.Arg478Gln)

Gene: CNGB3 (cyclic nucleotide gated channel subunit beta 3; minus strand). Cytogenetic location: 8q21.3.
Variant type: single nucleotide variant.
Coding change: c.1433G>A on transcript NM_019098.5 (MANE Select); coding-DNA position 1433, G replaced by A.
Protein change: p.Arg478Gln; replaces arginine 478 with glutamine.
Molecular consequence: missense variant.
Genome position (GRCh38, 1-based): chr8:86,628,966, C>T on the plus strand (G>A on the coding strand, the complement: CNGB3 is on the minus strand). VCF-style: chr8-86628966-C-T. GRCh37 (hg19) VCF-style: chr8-87641194-C-T.
Other names: c.1433G>A (NM_019098.4); short protein forms R478Q.
Identifiers: ClinVar variation 282903 (VCV000282903.16), dbSNP rs772270787, ClinGen allele CA4800027.